The following is an entry in ClinVar:

ClinVar aggregate classification (germline): Likely benign. Review status: criteria provided, multiple submitters, no conflicts (2 of 4 stars). 8 submissions from 8 submitters: Likely benign (8). Last evaluated 2026-05-28.

Conditions:
AP2S1-related disorder. Also called: AP2S1-related condition.
Familial hypocalciuric hypercalcemia 3. Also called: Hypocalciuric hypercalcemia, familial, type III; Hypocalciuric hypercalcemia, type III; FAMILIAL BENIGN HYPERCALCEMIA, TYPE III; HYPERCALCEMIA, FAMILIAL BENIGN, OKLAHOMA TYPE. Identifiers: Orphanet 101050, Orphanet 405, MedGen C1833372, MONDO:0010926, OMIM 600740.

Allele frequency attached by ClinVar (database versions not stated): 1000 Genomes Project 30x 0.00062; ExAC 0.00069; gnomAD exomes 0.00077 and 0.00113; 1000 Genomes Project 0.00080; ESP Exome Variant Server 0.00092; TOPMed 0.00096; gnomAD 0.00109 and 0.00111.
gnomAD v4.1: 1,770 of 1,614,074 alleles (0.11%); highest among the groups gnomAD compares: Admixed American, 0.18%; 6 homozygotes.

Submissions (8):

PreventionGenetics, part of Exact Sciences
Classification: Likely benign for AP2S1-related condition. Last evaluated: 2026-05-28. Review status: criteria provided, single submitter. Criteria: ACMG Guidelines, 2015. Collection method: clinical testing. Allele origin: germline.
Comment: This variant is classified as likely benign based on ACMG/AMP sequence variant interpretation guidelines (Richards et al. 2015 PMID: 25741868, with internal and published modifications).

Labcorp Genetics (formerly Invitae), Labcorp
Classification: Likely benign. Last evaluated: 2026-01-25. Review status: criteria provided, single submitter. Criteria: Invitae Variant Classification Sherloc (09022015). Collection method: clinical testing. Allele origin: germline.

Center for Genomic Medicine, Rigshospitalet, Copenhagen University Hospital
Classification: Likely benign. Last evaluated: 2025-12-29. Review status: criteria provided, single submitter. Criteria: ACMG Guidelines, 2015. Collection method: clinical testing. Allele origin: germline.

Mayo Clinic Laboratories, Mayo Clinic
Classification: Likely benign. Last evaluated: 2025-01-21. Review status: criteria provided, single submitter. Criteria: ACMG Guidelines, 2015. Collection method: clinical testing. Allele origin: germline. Observed: 1 variant allele.
Comment: BS1, BP4, BP7

Blueprint Genetics
Classification: Likely benign. Last evaluated: 2024-11-20. Review status: criteria provided, single submitter. Criteria: ACMG Guidelines, 2015. Collection method: clinical testing. Allele origin: germline.

CeGaT Center for Human Genetics Tuebingen
Classification: Likely benign. Last evaluated: 2023-04-01. Review status: criteria provided, single submitter. Criteria: CeGaT Center For Human Genetics Tuebingen Variant Classification Criteria Version 2. Collection method: clinical testing. Allele origin: germline. Affected: yes. Observed: 1 variant allele.
Comment: AP2S1: BP4, BP7

Fulgent Genetics
Classification: Likely benign for Familial hypocalciuric hypercalcemia 3. Last evaluated: 2021-08-30. Review status: criteria provided, single submitter. Criteria: ACMG Guidelines, 2015. Collection method: clinical testing. Allele origin: unknown.

Breakthrough Genomics
Classification: Likely benign. Review status: criteria provided, single submitter. Criteria: ACMG Guidelines, 2015. Collection method: not provided. Allele origin: germline. Inheritance: Autosomal dominant inheritance. Affected: yes.

NM_004069.6(AP2S1):c.75T>C (p.Asp25=)

Gene: AP2S1 (adaptor related protein complex 2 subunit sigma 1; minus strand). Cytogenetic location: 19q13.32.
Variant type: single nucleotide variant.
Coding change: c.75T>C on transcript NM_004069.6 (MANE Select); coding-DNA position 75, T replaced by C.
Protein change: p.Asp25=; no amino-acid change (aspartic acid 25 retained).
Molecular consequence: synonymous variant.
Genome position (GRCh38, 1-based): chr19:46,846,071, A>G on the plus strand (T>C on the coding strand, the complement: AP2S1 is on the minus strand). VCF-style: chr19-46846071-A-G. GRCh37 (hg19) VCF-style: chr19-47349328-A-G.
Other names: p.Asp25=; c.75T>C (NM_004069.5, NM_004069.4); c.123T>C, p.Asp41= (NM_001301076.3); c.75T>C, p.Asp25= (NM_001301078.3, NM_021575.5); c.81T>C, p.Asp27= (NM_001301081.3).
Identifiers: ClinVar variation 1596996 (VCV001596996.41), dbSNP rs150080027, ClinGen allele CA9533002.